The following continues an entry in ClinVar:

NM_001128159.3(VPS53):c.1148A>G (p.Asn383Ser)

ClinVar aggregate classification (germline): Benign. Benign (3).

Submissions 32 to 49 of 49:

Dr. Peter K. Rogan Lab, Western University
No classification provided (evidence only). Condition: Hepatocellular carcinoma. Review status: no classification provided. Collection method: in vitro. Allele origin: not applicable. Functional consequence: retained intron. Not counted in ClinVar's aggregate classification.

Dr. Peter K. Rogan Lab, Western University
No classification provided (evidence only). Condition: Hepatocellular carcinoma. Review status: no classification provided. Collection method: in vitro. Allele origin: not applicable. Functional consequence: retained intron. Not counted in ClinVar's aggregate classification.

Dr. Peter K. Rogan Lab, Western University
No classification provided (evidence only). Condition: Nonpapillary renal cell carcinoma. Review status: no classification provided. Collection method: in vitro. Allele origin: not applicable. Functional consequence: skipped exon, retained intron. Not counted in ClinVar's aggregate classification.

Dr. Peter K. Rogan Lab, Western University
No classification provided (evidence only). Condition: Ovarian serous cystadenocarcinoma. Review status: no classification provided. Collection method: in vitro. Allele origin: not applicable. Functional consequence: retained intron. Not counted in ClinVar's aggregate classification.

Dr. Peter K. Rogan Lab, Western University
No classification provided (evidence only). Condition: Ovarian serous cystadenocarcinoma. Review status: no classification provided. Collection method: in vitro. Allele origin: not applicable. Functional consequence: retained intron. Not counted in ClinVar's aggregate classification.

Dr. Peter K. Rogan Lab, Western University
No classification provided (evidence only). Condition: Gastric cancer. Review status: no classification provided. Collection method: in vitro. Allele origin: not applicable. Functional consequence: retained intron. Not counted in ClinVar's aggregate classification.

Dr. Peter K. Rogan Lab, Western University
No classification provided (evidence only). Condition: Gastric cancer. Review status: no classification provided. Collection method: in vitro. Allele origin: not applicable. Functional consequence: retained intron. Not counted in ClinVar's aggregate classification.

Dr. Peter K. Rogan Lab, Western University
No classification provided (evidence only). Condition: Gastric cancer. Review status: no classification provided. Collection method: in vitro. Allele origin: not applicable. Functional consequence: retained intron. Not counted in ClinVar's aggregate classification.

Dr. Peter K. Rogan Lab, Western University
No classification provided (evidence only). Condition: Gastric cancer. Review status: no classification provided. Collection method: in vitro. Allele origin: not applicable. Functional consequence: retained intron. Not counted in ClinVar's aggregate classification.

Dr. Peter K. Rogan Lab, Western University
No classification provided (evidence only). Condition: Gastric cancer. Review status: no classification provided. Collection method: in vitro. Allele origin: not applicable. Functional consequence: retained intron. Not counted in ClinVar's aggregate classification.

Dr. Peter K. Rogan Lab, Western University
No classification provided (evidence only). Condition: Gastric cancer. Review status: no classification provided. Collection method: in vitro. Allele origin: not applicable. Functional consequence: retained intron. Not counted in ClinVar's aggregate classification.

Dr. Peter K. Rogan Lab, Western University
No classification provided (evidence only). Condition: Gastric cancer. Review status: no classification provided. Collection method: in vitro. Allele origin: not applicable. Functional consequence: retained intron. Not counted in ClinVar's aggregate classification.

Dr. Peter K. Rogan Lab, Western University
No classification provided (evidence only). Condition: Gastric cancer. Review status: no classification provided. Collection method: in vitro. Allele origin: not applicable. Functional consequence: retained intron. Not counted in ClinVar's aggregate classification.

Dr. Peter K. Rogan Lab, Western University
No classification provided (evidence only). Condition: Gastric cancer. Review status: no classification provided. Collection method: in vitro. Allele origin: not applicable. Functional consequence: retained intron. Not counted in ClinVar's aggregate classification.

Dr. Peter K. Rogan Lab, Western University
No classification provided (evidence only). Condition: Malignant tumor of esophagus. Review status: no classification provided. Collection method: in vitro. Allele origin: not applicable. Functional consequence: skipped exon, retained intron. Not counted in ClinVar's aggregate classification.

Dr. Peter K. Rogan Lab, Western University
No classification provided (evidence only). Condition: Malignant tumor of esophagus. Review status: no classification provided. Collection method: in vitro. Allele origin: not applicable. Functional consequence: skipped exon, retained intron. Not counted in ClinVar's aggregate classification.

Dr. Peter K. Rogan Lab, Western University
No classification provided (evidence only). Condition: Malignant tumor of esophagus. Review status: no classification provided. Collection method: in vitro. Allele origin: not applicable. Functional consequence: skipped exon, retained intron. Not counted in ClinVar's aggregate classification.

Dr. Peter K. Rogan Lab, Western University
No classification provided (evidence only). Condition: Malignant tumor of esophagus. Review status: no classification provided. Collection method: in vitro. Allele origin: not applicable. Functional consequence: retained intron. Not counted in ClinVar's aggregate classification.